The following is an entry in ClinVar:

ClinVar aggregate classification (germline): Uncertain significance (1 of 4 stars; one submission).

Conditions:
Familial adenomatous polyposis 1 (FAP1). Also called: POLYPOSIS, ADENOMATOUS INTESTINAL; FAMILIAL ADENOMATOUS POLYPOSIS 1, ATTENUATED. Identifiers: MedGen C2713442, MONDO:0021056, OMIM 175100. Disease mechanism: loss of function.

Allele frequency attached by ClinVar (database versions not stated): TOPMed 0.00001.

Submission:

Labcorp Genetics (formerly Invitae), Labcorp
Classification: Uncertain significance for Familial adenomatous polyposis 1. Last evaluated: 2025-10-14. Review status: criteria provided, single submitter. Criteria: Invitae Variant Classification Sherloc (09022015). Collection method: clinical testing. Allele origin: germline.
Comment: This variant occurs in a non-coding region of the APC gene. It does not change the encoded amino acid sequence of the APC protein. This variant is not present in population databases (gnomAD no frequency). This variant has not been reported in the literature in individuals affected with APC-related conditions. Experimental studies and prediction algorithms are not available or were not evaluated, and the functional significance of this variant is currently unknown. In summary, the available evidence is currently insufficient to determine the role of this variant in disease. Therefore, it has been classified as a Variant of Uncertain Significance.

NC_000005.10:g.112707485C>G

Genes: APC (APC regulator of Wnt signaling pathway; plus strand), LOC129994371 (ATAC-STARR-seq lymphoblastoid active region 22910; plus strand). Cytogenetic location: 5q22.2.
Variant type: single nucleotide variant.
Genome position: GRCh38 VCF-style: chr5-112707485-C-G. GRCh37 (hg19) VCF-style: chr5-112043182-C-G.
Identifiers: ClinVar variation 1017551 (VCV001017551.8), dbSNP rs1333841760, ClinGen allele CA802056979.
Genomic context (GRCh38, chr5:112,707,485, plus strand): 5'-CACCCATTGCGCCTGCGCATAACAGGCTCTAGTCTCCGGGCTGTGGGAAGCCAGCAACAC[C>G]TCTCACGCATGCGCATTGTAGTCTTCCCACCTCCCACAAGATGGCGGAGGGCAAGTAGCA-3'